The following is an entry in ClinVar:

ClinVar aggregate classification (germline): Conflicting classifications of pathogenicity. Review status: criteria provided, conflicting classifications (1 of 4 stars). 3 submissions from 3 submitters: Uncertain significance (2); Likely benign (1). Last evaluated 2025-04-13.

Conditions:
Familial focal epilepsy with variable foci (FPEVF). Identifiers: Orphanet 98820, MedGen C1858477, MONDO:0020310.

Allele frequency attached by ClinVar (database versions not stated): gnomAD exomes below 0.00001; gnomAD 0.00001; ExAC 0.00002; TOPMed 0.00002; ESP Exome Variant Server 0.00008.
gnomAD v4.1: 20 of 1,613,866 alleles (0.0012%); highest among the groups gnomAD compares: Middle Eastern, 0.016%; no homozygotes.

Submissions (4):

Labcorp Genetics (formerly Invitae), Labcorp
Classification: Uncertain significance for Familial focal epilepsy with variable foci. Last evaluated: 2025-04-13. Review status: criteria provided, single submitter. Criteria: Invitae Variant Classification Sherloc (09022015). Collection method: clinical testing. Allele origin: germline.
Comment: This sequence change affects codon 1453 of the DEPDC5 mRNA. It is a 'silent' change, meaning that it does not change the encoded amino acid sequence of the DEPDC5 protein. This variant is present in population databases (rs377333936, gnomAD 0.008%). This variant has not been reported in the literature in individuals affected with DEPDC5-related conditions. ClinVar contains an entry for this variant (Variation ID: 952781). Algorithms developed to predict the effect of sequence changes on RNA splicing suggest that this variant may disrupt the consensus splice site. In summary, the available evidence is currently insufficient to determine the role of this variant in disease. Therefore, it has been classified as a Variant of Uncertain Significance.

CeGaT Center for Human Genetics Tuebingen
Classification: Likely benign. Last evaluated: 2021-04-01. Review status: criteria provided, single submitter. Criteria: CeGaT Center For Human Genetics Tuebingen Variant Classification Criteria Version 2. Collection method: clinical testing. Allele origin: germline. Affected: yes. Observed: 1 variant allele.

GeneDx
Classification: Uncertain significance. Last evaluated: 2020-02-19. Review status: criteria provided, single submitter. Criteria: GeneDx Variant Classification Process June 2021. Collection method: clinical testing. Allele origin: germline. Affected: yes.
Comment: Has not been previously published as pathogenic or benign to our knowledge; In-silico analysis, which includes splice predictors and evolutionary conservation, is inconclusive as to whether the variant alters gene splicing. In the absence of RNA/functional studies, the actual effect of this sequence change is unknown

Dr. Peter K. Rogan Lab, Western University
No classification provided (evidence only). Condition: Gastric cancer. Review status: no classification provided. Collection method: in vitro. Allele origin: not applicable. Functional consequence: retained intron. Not counted in ClinVar's aggregate classification.

NM_001242896.3(DEPDC5):c.4359C>T (p.Ser1453=)

Gene: DEPDC5 (DEP domain containing 5, GATOR1 subcomplex subunit; plus strand). Cytogenetic location: 22q12.3.
Variant type: single nucleotide variant.
Coding change: c.4359C>T on transcript NM_001242896.3 (MANE Select); coding-DNA position 4359, C replaced by T.
Protein change: p.Ser1453=; no amino-acid change (serine 1453 retained).
Molecular consequence: synonymous variant. On other transcripts: non-coding transcript variant (5).
Genome position (GRCh38, 1-based): chr22:31,897,637, C>T. VCF-style: chr22-31897637-C-T. GRCh37 (hg19) VCF-style: chr22-32293623-C-T.
Other names: c.4332C>T, p.Ser1444= (NM_001136029.4); c.4059C>T, p.Ser1353= (NM_001242897.2); c.4293C>T, p.Ser1431= (NM_001363852.2, NM_001364320.2); c.4125C>T, p.Ser1375= (NM_001363854.2, NM_001364319.2); c.4359C>T, p.Ser1453= (NM_001364318.2); c.4275C>T, p.Ser1425= (NM_001369901.1, NM_001369902.1); c.4266C>T, p.Ser1422= (NM_001369903.1, NM_014662.6).
Identifiers: ClinVar variation 952781 (VCV000952781.46), dbSNP rs377333936, ClinGen allele CA10197216.
Genomic context (GRCh38, chr22:31,897,637, plus strand): 5'-CCCCCTTCGTGCCCAGCTCTTCATCCCACTCAACATCAGCTGCTTGCTCAAGGAGGGCAG[C>T]GAGCACCTGTTTGATAGTAAGAAATATTCCCTTCTGGAGGTTGTCTCAACCAGTAAGACC-3'
Protein context (NP_001229825.1, residues 1443-1463): LNISCLLKEG[Ser1453=]EHLFDSFEPE